The following is an entry in ClinVar:

NM_000535.7(PMS2):c.1609G>A (p.Glu537Lys)

Gene: PMS2 (PMS1 homolog 2, mismatch repair system component; minus strand). Cytogenetic location: 7p22.1.
Variant type: single nucleotide variant.
Coding change: c.1609G>A on transcript NM_000535.7 (MANE Select); coding-DNA position 1609, G replaced by A.
Protein change: p.Glu537Lys; replaces glutamic acid 537 with lysine.
Molecular consequence: missense variant. On other transcripts: non-coding transcript variant (1).
Genome position (GRCh38, 1-based): chr7:5,987,156, C>T on the plus strand (G>A on the coding strand, the complement: PMS2 is on the minus strand). VCF-style: chr7-5987156-C-T. GRCh37 (hg19) VCF-style: chr7-6026787-C-T.
Other names: p.E537K:GAG>AAG; p.Glu537Lys; c.1048G>A, p.Glu350Lys (NM_001322010.2); c.676G>A, p.Glu226Lys (NM_001322011.2, NM_001322012.2); c.1036G>A, p.Glu346Lys (NM_001322013.2); c.1609G>A, p.Glu537Lys (NM_001322014.2); c.1300G>A, p.Glu434Lys (NM_001322015.2); c.1204G>A, p.Glu402Lys (NM_001322003.2, NM_001322004.2, NM_001322005.2 and 1 more transcripts); and 2 more; short protein forms E537K, E485K, E346K, E402K, E431K, E226K, E434K, E350K.
Identifiers: ClinVar variation 138701 (VCV000138701.54), dbSNP rs115052399, ClinGen allele CA009913.

ClinVar aggregate classification (germline): Benign/Likely benign. Review status: criteria provided, multiple submitters, no conflicts (2 of 4 stars). 21 submissions from 21 submitters: Benign (13); Likely benign (5). 3 of the submissions do not count toward it. Last evaluated 2026-04-01.

Conditions:
Hereditary nonpolyposis colorectal neoplasms. Identifiers: MedGen C0009405, MeSH D003123.
Breast and/or ovarian cancer. Identifiers: MedGen CN221562.
Hereditary cancer-predisposing syndrome. Also called: Tumor predisposition; Hereditary neoplastic syndrome; Hereditary Cancer Syndrome; Neoplastic Syndromes, Hereditary. Identifiers: Orphanet 140162, MedGen C0027672, MeSH D009386, MONDO:0015356.
Lynch syndrome 4 (LYNCH4). Also called: Hereditary non-polyposis colorectal cancer, type 4; Colorectal cancer, hereditary nonpolyposis, type 4. Identifiers: Orphanet 144, MedGen C1838333, MONDO:0013699, OMIM 614337. Disease mechanism: loss of function.
Malignant tumor of breast. Also called: Cancer breast; Malignant breast neoplasm. Identifiers: MedGen C0006142, MONDO:0007254. Disease mechanism: loss of function.

Allele frequency attached by ClinVar (database versions not stated): gnomAD exomes 0.00035 and 0.00085; ExAC 0.00103; gnomAD 0.00355 and 0.00370; TOPMed 0.00379; ESP Exome Variant Server 0.00423; 1000 Genomes Project 0.00559; 1000 Genomes Project 30x 0.00562.
gnomAD v4.1: 1,064 of 1,613,950 alleles (0.066%); highest among the groups gnomAD compares: African/African-American, 1.3%; 7 homozygotes.

Submissions (21):

CeGaT Center for Human Genetics Tuebingen
Classification: Likely benign. Last evaluated: 2026-04-01. Review status: criteria provided, single submitter. Criteria: CeGaT Center For Human Genetics Tuebingen Variant Classification Criteria Version 2. Collection method: clinical testing. Allele origin: germline. Affected: yes. Observed: 2 variant alleles.
Comment: PMS2: BP4, BS1

Labcorp Genetics (formerly Invitae), Labcorp
Classification: Benign for Hereditary nonpolyposis colorectal neoplasms. Last evaluated: 2026-02-03. Review status: criteria provided, single submitter. Criteria: Invitae Variant Classification Sherloc (09022015). Collection method: clinical testing. Allele origin: germline.

Mayo Clinic Laboratories, Mayo Clinic
Classification: Benign. Last evaluated: 2025-08-18. Review status: criteria provided, single submitter. Criteria: ACMG Guidelines, 2015. Collection method: clinical testing. Allele origin: germline. Observed: 4 variant alleles.
Comment: BA1

Center for Genomic Medicine, Rigshospitalet, Copenhagen University Hospital
Classification: Benign. Last evaluated: 2025-03-04. Review status: criteria provided, single submitter. Criteria: ACMG Guidelines, 2015. Collection method: clinical testing. Allele origin: germline.

Myriad Genetics, Inc.
Classification: Benign for Lynch syndrome 4. Last evaluated: 2025-01-31. Review status: criteria provided, single submitter. Criteria: Myriad Autosomal Dominant, Autosomal Recessive and X-Linked Classification Criteria (2023). Collection method: clinical testing. Allele origin: unknown.
Comment: This variant is considered benign. This variant has been observed at a population frequency that is significantly greater than expected given the associated disease prevalence and penetrance.

Blueprint Genetics
Classification: Likely benign. Last evaluated: 2024-11-15. Review status: criteria provided, single submitter. Criteria: ACMG Guidelines, 2015. Collection method: clinical testing. Allele origin: germline.

ARUP Laboratories, Molecular Genetics and Genomics, ARUP Laboratories
Classification: Benign. Last evaluated: 2023-10-16. Review status: criteria provided, single submitter. Criteria: ARUP Molecular Germline Variant Investigation Process 2024. Collection method: clinical testing. Allele origin: germline.

CHEO Genetics Diagnostic Laboratory, Children's Hospital of Eastern Ontario
Classification: Benign for Breast and/or ovarian cancer. Last evaluated: 2022-10-24. Review status: criteria provided, single submitter. Criteria: ACMG Guidelines, 2015. Collection method: clinical testing. Allele origin: germline.

Institute for Biomarker Research, Medical Diagnostic Laboratories, L.L.C.
Classification: Benign for Hereditary cancer-predisposing syndrome. Last evaluated: 2022-09-27. Review status: criteria provided, single submitter. Criteria: ACMG Guidelines, 2015. Collection method: clinical testing. Allele origin: germline.

Genetic Services Laboratory, University of Chicago
Classification: Benign. Last evaluated: 2020-07-12. Review status: criteria provided, single submitter. Criteria: ACMG Guidelines, 2015. Collection method: clinical testing. Allele origin: germline. Affected: no.

Genetics and Molecular Pathology, SA Pathology
Classification: Likely benign for Lynch syndrome 4. Last evaluated: 2020-05-06. Review status: criteria provided, single submitter. Criteria: ACMG Guidelines, 2015. Collection method: clinical testing. Allele origin: germline. Inheritance: Autosomal dominant inheritance. Affected: yes.

Eurofins Ntd Llc (ga)
Classification: Benign. Last evaluated: 2018-03-09. Review status: criteria provided, single submitter. Criteria: EGL ClinVar v180209 classification definitions. Collection method: clinical testing. Allele origin: germline. Observed: 2 variant alleles, 2 heterozygotes.

Illumina Laboratory Services, Illumina
Classification: Likely benign for Lynch syndrome 4. Last evaluated: 2018-01-12. Review status: criteria provided, single submitter. Criteria: ICSL Variant Classification Criteria 13 December 2019. Collection method: clinical testing. Allele origin: germline.
Comment: This variant was observed in the ICSL laboratory as part of a predisposition screen in an ostensibly healthy population. It had not been previously curated by ICSL or reported in the Human Gene Mutation Database (HGMD: prior to June 1st, 2018), and was therefore a candidate for classification through an automated scoring system. Utilizing variant allele frequency, disease prevalence and penetrance estimates, and inheritance mode, an automated score was calculated to assess if this variant is too frequent to cause the disease. Based on the score and internal cut-off values, a variant classified as likely benign is not then subjected to further curation. The score for this variant resulted in a classification of likely benign for this disease.

PreventionGenetics, part of Exact Sciences
Classification: Benign. Last evaluated: 2017-04-25. Review status: criteria provided, single submitter. Criteria: ACMG Guidelines, 2015. Collection method: clinical testing. Allele origin: germline.

Women's Health and Genetics/Laboratory Corporation of America, LabCorp
Classification: Likely benign. Last evaluated: 2016-06-15. Review status: criteria provided, single submitter. Criteria: LabCorp Variant Classification Summary - May 2015. Collection method: clinical testing. Allele origin: germline.
Comment: Variant summary: The PMS2 c.1609G>A (p.Glu537Lys) variant causes a missense change involving a non-conserved nucleotide with 4/4 in silico tools (SNPs&GO not captured due to low reliability index) predicting a benign outcome, although these predictions have yet to be functionally assessed. The variant of interest was observed in the large, broad control population, ExAC, with an allele frequency of 124/120170 (1 homozygote, 1/968), predominantly in the African cohort, 122/10000 (1 homozygote, 1/81), which significantly exceeds the estimated maximal expected allele frequency for a pathogenic PMS2 variant of 1/8802 (0.0001136). Even though this observed frequency is higher than expected for the pathogenic variant, we must use controls data with caution due to presence of a pseudogene. The variant of interest has not, to our knowledge, been reported in affected individuals via publications; however, reputable clinical diagnostic laboratories cite the variant as "benign." Therefore, taking all available lines of evidence, the variant of interest has been classified as Likely Benign.

Color Diagnostics, LLC DBA Color Health
Classification: Benign for Hereditary cancer-predisposing syndrome. Last evaluated: 2015-01-13. Review status: criteria provided, single submitter. Criteria: ACMG Guidelines, 2015. Collection method: clinical testing. Allele origin: germline.

Ambry Genetics
Classification: Benign for Hereditary cancer-predisposing syndrome. Last evaluated: 2014-11-18. Review status: criteria provided, single submitter. Criteria: Ambry Variant Classification Scheme 2023. Collection method: clinical testing. Allele origin: germline.

GeneDx
Classification: Benign. Last evaluated: 2014-01-15. Review status: criteria provided, single submitter. Criteria: GeneDx Variant Classification (06012015). Collection method: clinical testing. Allele origin: germline. Affected: yes.
Comment: This variant is considered likely benign or benign based on one or more of the following criteria: it is a conservative change, it occurs at a poorly conserved position in the protein, it is predicted to be benign by multiple in silico algorithms, and/or has population frequency not consistent with disease.

Clinical Genetics, Academic Medical Center
Classification: Benign. Review status: no assertion criteria provided. Collection method: clinical testing. Allele origin: germline. Affected: yes. Study: VKGL Data-share Consensus. Not counted in ClinVar's aggregate classification.

Department of Pathology and Laboratory Medicine, Sinai Health System
Classification: Likely benign for Malignant tumor of breast. Review status: no assertion criteria provided. Collection method: clinical testing. Allele origin: unknown. Affected: yes. Observed: 2 variant alleles. Study: The Canadian Open Genetics Repository (COGR). Not counted in ClinVar's aggregate classification.
Comment: The PMS2 p.Glu537Lys variant was not identified in the literature nor was it identified in the COGR, Cosmic, MutDB, Insight Colon Cancer Gene Variant Database, Zhejiang Colon Cancer Database, Mismatch Repair Genes Variant Database, or Insight Hereditary Tumors Database. The variant was identified in dbSNP (ID: rs115052399) as With other allele, and in ClinVar (classified as benign by GeneDx, Ambry genetics, Invitae). The variant was identified in control databases in 328 (2 homozygous) of 276484 chromosomes at a frequency of 0.001 increasing the likelihood that this may be a low frequency benign variant in certain populations of origin (Genome Aggregation Consortium Feb 27, 2017). The variant was identified in the following populations at a frequency greater than 1%: African in 311 of 23762 chromosomes (freq: 0.013). The p.Glu537 residue is not conserved in mammals and computational analyses (PolyPhen-2, SIFT, AlignGVGD, BLOSUM, MutationTaster) do not suggest a high likelihood of impact to the protein; however, this information is not predictive enough to rule out pathogenicity. The variant occurs outside of the splicing consensus sequence and in silico or computational prediction software programs (SpliceSiteFinder, MaxEntScan, NNSPLICE, GeneSplicer, HumanSpliceFinder) do not predict a difference in splicing. In summary, based on the above information, the clinical significance of this variant cannot be determined with certainty at this time although we would lean towards a more benign role for this variant. This variant is classified as likely benign.

Genome Diagnostics Laboratory, University Medical Center Utrecht
Classification: Benign. Review status: no assertion criteria provided. Collection method: clinical testing. Allele origin: germline. Affected: yes. Study: VKGL Data-share Consensus. Not counted in ClinVar's aggregate classification.

Literature cited by the submitters: PubMed 23709753 (cited by Women's Health and Genetics/Laboratory Corporation of America, LabCorp).